The following is an entry in ClinVar:

NM_002439.5(MSH3):c.2520C>T (p.Val840=)

Gene: MSH3 (mutS homolog 3; plus strand). Cytogenetic location: 5q14.1.
Variant type: single nucleotide variant.
Coding change: c.2520C>T on transcript NM_002439.5 (MANE Select); coding-DNA position 2520, C replaced by T.
Protein change: p.Val840=; no amino-acid change (valine 840 retained).
Molecular consequence: synonymous variant.
Genome position (GRCh38, 1-based): chr5:80,787,649, C>T. VCF-style: chr5-80787649-C-T. GRCh37 (hg19) VCF-style: chr5-80083468-C-T.
Identifiers: ClinVar variation 720929 (VCV000720929.39), dbSNP rs779973060, ClinGen allele CA3328272.

ClinVar aggregate classification (germline): Likely benign. Review status: criteria provided, multiple submitters, no conflicts (2 of 4 stars). 5 submissions from 5 submitters: Likely benign (5). Last evaluated 2026-06-07.

Conditions:
Hereditary cancer-predisposing syndrome. Also called: Hereditary Cancer Syndrome; Neoplastic Syndromes, Hereditary; Hereditary neoplastic syndrome; Tumor predisposition. Identifiers: Orphanet 140162, MedGen C0027672, MeSH D009386, MONDO:0015356.
MSH3-related disorder. Also called: MSH3-related condition.

Allele frequency attached by ClinVar (database versions not stated): ExAC 0.00001; gnomAD exomes 0.00001; gnomAD 0.00003; TOPMed 0.00005.
gnomAD v4.1: 26 of 1,613,534 alleles (0.0016%); highest among the groups gnomAD compares: Admixed American, 0.012%; no homozygotes.

Submissions (5):

PreventionGenetics, part of Exact Sciences
Classification: Likely benign for MSH3-related condition. Last evaluated: 2026-06-07. Review status: criteria provided, single submitter. Criteria: ACMG Guidelines, 2015. Collection method: clinical testing. Allele origin: germline.
Comment: This variant is classified as likely benign based on ACMG/AMP sequence variant interpretation guidelines (Richards et al. 2015 PMID: 25741868, with internal and published modifications).

Labcorp Genetics (formerly Invitae), Labcorp
Classification: Likely benign. Last evaluated: 2026-01-27. Review status: criteria provided, single submitter. Criteria: Invitae Variant Classification Sherloc (09022015). Collection method: clinical testing. Allele origin: germline.

CeGaT Center for Human Genetics Tuebingen
Classification: Likely benign. Last evaluated: 2022-11-01. Review status: criteria provided, single submitter. Criteria: CeGaT Center For Human Genetics Tuebingen Variant Classification Criteria Version 2. Collection method: clinical testing. Allele origin: germline. Affected: yes. Observed: 1 variant allele.
Comment: MSH3: BP4, BP7

Sema4
Classification: Likely benign for Hereditary cancer-predisposing syndrome. Last evaluated: 2022-03-02. Review status: criteria provided, single submitter. Criteria: Sema4 Curation Guidelines. Collection method: curation. Allele origin: germline.

Ambry Genetics
Classification: Likely benign for Hereditary cancer-predisposing syndrome. Last evaluated: 2020-12-08. Review status: criteria provided, single submitter. Criteria: Ambry Variant Classification Scheme 2023. Collection method: clinical testing. Allele origin: germline.